The following is an entry in ClinVar:

NM_053025.4(MYLK):c.382G>T (p.Ala128Ser)

Gene: MYLK (myosin light chain kinase; minus strand). Cytogenetic location: 3q21.1.
Variant type: single nucleotide variant.
Coding change: c.382G>T on transcript NM_053025.4 (MANE Select); coding-DNA position 382, G replaced by T.
Protein change: p.Ala128Ser; replaces alanine 128 with serine.
Molecular consequence: missense variant. On other transcripts: 5 prime UTR variant (1).
Genome position (GRCh38, 1-based): chr3:123,739,993, C>A on the plus strand (G>T on the coding strand, the complement: MYLK is on the minus strand). VCF-style: chr3-123739993-C-A. GRCh37 (hg19) VCF-style: chr3-123458840-C-A.
Other names: c.-147G>T (NM_001321309.2); c.382G>T, p.Ala128Ser (NM_053026.4, NM_053027.4, NM_053028.4); short protein forms A128S.
Identifiers: ClinVar variation 1040282 (VCV001040282.9), dbSNP rs147840022, ClinGen allele CA070860.

ClinVar aggregate classification (germline): Uncertain significance (1 of 4 stars; one submission).

Conditions:
Aortic aneurysm, familial thoracic 7 (AAT7). Also called: AORTIC DISSECTION, FAMILIAL, WITH OR WITHOUT AORTIC ANEURYSM. Identifiers: MedGen C3151077, MONDO:0013418, OMIM 613780.

Allele frequency attached by ClinVar (database versions not stated): TOPMed 0.00001.
gnomAD v4.1: 1 of 1,613,838 alleles (0.000062%); highest among the groups gnomAD compares: African/African-American, 0.0013%; no homozygotes.

Submission:

Labcorp Genetics (formerly Invitae), Labcorp
Classification: Uncertain significance for Aortic aneurysm, familial thoracic 7. Last evaluated: 2020-06-16. Review status: criteria provided, single submitter. Criteria: Invitae Variant Classification Sherloc (09022015). Collection method: clinical testing. Allele origin: germline.
Comment: This variant has not been reported in the literature in individuals with MYLK-related conditions. In summary, the available evidence is currently insufficient to determine the role of this variant in disease. Therefore, it has been classified as a Variant of Uncertain Significance. Algorithms developed to predict the effect of missense changes on protein structure and function (SIFT, PolyPhen-2, Align-GVGD) all suggest that this variant is likely to be tolerated, but these predictions have not been confirmed by published functional studies and their clinical significance is uncertain. This variant is present in population databases (rs147840022, ExAC 0.02%). This sequence change replaces alanine with serine at codon 128 of the MYLK protein (p.Ala128Ser). The alanine residue is weakly conserved and there is a moderate physicochemical difference between alanine and serine.